The following is an entry in ClinVar:

NM_015570.4(AUTS2):c.1645G>A (p.Ala549Thr)

Gene: AUTS2 (activator of transcription and developmental regulator AUTS2; plus strand). Cytogenetic location: 7q11.22.
Variant type: single nucleotide variant.
Coding change: c.1645G>A on transcript NM_015570.4 (MANE Select); coding-DNA position 1645, G replaced by A.
Protein change: p.Ala549Thr; replaces alanine 549 with threonine.
Molecular consequence: missense variant.
Genome position (GRCh38, 1-based): chr7:70,766,290, G>A. VCF-style: chr7-70766290-G-A. GRCh37 (hg19) VCF-style: chr7-70231276-G-A.
Other names: c.1645G>A, p.Ala549Thr (NM_001127231.3); short protein forms A549T.
Identifiers: ClinVar variation 2899390 (VCV002899390.3), dbSNP rs772360830, ClinGen allele CA4280716.
Genomic context (GRCh38, chr7:70,766,290, plus strand): 5'-CACCAGCACCAGCACACCCACCAGCACACGCACCAGCACACCTTCACGCCGTTCCCCCAC[G>A]CCATCCCACCCACCGCCATCATGCCGACGCCAGCACCTCCCATGGTGCGTACCCCAGGCA-3'
Protein context (NP_056385.1, residues 539-559): HQHTFTPFPH[Ala549Thr]IPPTAIMPTP

ClinVar aggregate classification (germline): Uncertain significance (1 of 4 stars; one submission).

Allele frequency attached by ClinVar (database versions not stated): ExAC 0.00005.
gnomAD v4.1: 71 of 1,613,864 alleles (0.0044%); highest among the groups gnomAD compares: Non-Finnish European, 0.0053%; no homozygotes.

Submission:

Labcorp Genetics (formerly Invitae), Labcorp
Classification: Uncertain significance. Last evaluated: 2026-01-12. Review status: criteria provided, single submitter. Criteria: Invitae Variant Classification Sherloc (09022015). Collection method: clinical testing. Allele origin: germline.
Comment: This sequence change replaces alanine, which is neutral and non-polar, with threonine, which is neutral and polar, at codon 549 of the AUTS2 protein (p.Ala549Thr). This variant is present in population databases (rs772360830, gnomAD 0.01%). This variant has not been reported in the literature in individuals affected with AUTS2-related conditions. ClinVar contains an entry for this variant (Variation ID: 2899390). An algorithm developed to predict the effect of missense changes on protein structure and function (PolyPhen-2) suggests that this variant is likely to be disruptive. In summary, the available evidence is currently insufficient to determine the role of this variant in disease. Therefore, it has been classified as a Variant of Uncertain Significance.